The following is an entry in ClinVar:

ClinVar aggregate classification (germline): Uncertain significance (1 of 4 stars; one submission).

gnomAD v4.1: 4 of 1,612,740 alleles (0.00025%); highest among the groups gnomAD compares: Non-Finnish European, 0.00025%; no homozygotes.

Submission:

GeneDx
Classification: Uncertain significance. Last evaluated: 2024-08-22. Review status: criteria provided, single submitter. Criteria: GeneDx Variant Classification Process June 2021. Collection method: clinical testing. Allele origin: germline. Affected: yes.
Comment: Not observed at significant frequency in large population cohorts (gnomAD); In silico analysis supports that this missense variant has a deleterious effect on protein structure/function; Has not been previously published as pathogenic or benign to our knowledge

NM_002838.5(PTPRC):c.3467G>A (p.Gly1156Glu)

Gene: PTPRC (protein tyrosine phosphatase receptor type C; plus strand). Cytogenetic location: 1q32.1.
Variant type: single nucleotide variant.
Coding change: c.3467G>A on transcript NM_002838.5 (MANE Select); coding-DNA position 3467, G replaced by A.
Protein change: p.Gly1156Glu; replaces glycine 1156 with glutamic acid.
Molecular consequence: missense variant.
Genome position (GRCh38, 1-based): chr1:198,752,730, G>A. VCF-style: chr1-198752730-G-A. GRCh37 (hg19) VCF-style: chr1-198721859-G-A.
Other names: c.2984G>A, p.Gly995Glu (NM_080921.4); short protein forms G1156E, G995E.
Identifiers: ClinVar variation 3764308 (VCV003764308.1).